The following is an entry in ClinVar:

ClinVar aggregate classification (germline): Uncertain significance (1 of 4 stars; one submission).

Conditions:
Arthrogryposis, distal, with impaired proprioception and touch (DAIPT). Identifiers: MedGen C4310692, MONDO:0014941, OMIM 617146.

gnomAD v4.1: 2 of 1,613,952 alleles (0.00012%); highest among the groups gnomAD compares: Non-Finnish European, 0.00017%; no homozygotes.

Submission:

Victorian Clinical Genetics Services, Murdoch Childrens Research Institute
Classification: Uncertain significance for Arthrogryposis, distal, with impaired proprioception and touch. Last evaluated: 2022-06-24. Review status: criteria provided, single submitter. Criteria: ACMG Guidelines, 2015. Collection method: clinical testing. Allele origin: germline. Inheritance: Autosomal recessive inheritance. Affected: yes.
Comment: Based on the classification scheme VCGS_Germline_v1.3.4, this variant is classified as VUS-3A. Following criteria are met: 0103 - Loss of function and gain of function are known mechanisms of disease in this gene and are associated with arthrogryposis (OMIM). Loss of function has generally been shown to be caused by NMD variants whereas gain of function has generally been associated with missense variants clustered in the C-terminal (PMID: 30988732). (I) 0108 - This gene is associated with both recessive and dominant disease. Recessive disease is due to loss of function variants and dominant disease is due to gain of function variants (PMID: 30988732). The phenotypes have been recently regarded as etiologically related (PMID: 24726473). (I) 0200 - Variant is predicted to result in a missense amino acid change from leucine to proline. (I) 0251 - This variant is heterozygous. (I) 0304 - Variant is present in gnomAD (v2) <0.01 (2 heterozygotes, 0 homozygotes). (SP) 0501 - Missense variant consistently predicted to be damaging by multiple in silico tools or highly conserved with a major amino acid change. (SP) 0604 - Variant is not located in an established domain, motif, hotspot or informative constraint region. (I) 0705 - No comparable missense variants have previous evidence for pathogenicity. (I) 0807 - This variant has no previous evidence of pathogenicity. (I) 0905 - No published segregation evidence has been identified for this variant. (I) 1007 - No published functional evidence has been identified for this variant. (I) 1102 - Strong phenotype match for this individual. (SP) 1208 - Inheritance information for this variant is not currently available in this individual. (I) Legend: (SP) - Supporting pathogenic, (I) - Information, (SB) - Supporting benign

Literature cited by the submitters: PubMed 24726473; PubMed 30988732.

NM_001378183.1(PIEZO2):c.7094T>C (p.Leu2365Pro)

Gene: PIEZO2 (piezo type mechanosensitive ion channel component 2; minus strand). Cytogenetic location: 18p11.22.
Variant type: single nucleotide variant.
Coding change: c.7094T>C on transcript NM_001378183.1 (MANE Select); coding-DNA position 7094, T replaced by C.
Protein change: p.Leu2365Pro; replaces leucine 2365 with proline.
Molecular consequence: missense variant.
Genome position (GRCh38, 1-based): chr18:10,696,170, A>G on the plus strand (T>C on the coding strand, the complement: PIEZO2 is on the minus strand). VCF-style: chr18-10696170-A-G. GRCh37 (hg19) VCF-style: chr18-10696168-A-G.
Other names: c.6830T>C, p.Leu2277Pro (NM_001410871.1); c.6755T>C, p.Leu2252Pro (NM_022068.4); short protein forms L2252P, L2277P, L2365P.
Identifiers: ClinVar variation 3376952 (VCV003376952.1).